The following is an entry in ClinVar:

NM_014049.5(ACAD9):c.436C>A (p.Gln146Lys)

Gene: ACAD9 (acyl-CoA dehydrogenase family member 9; plus strand). Cytogenetic location: 3q21.3.
Variant type: single nucleotide variant.
Coding change: c.436C>A on transcript NM_014049.5 (MANE Select); coding-DNA position 436, C replaced by A.
Protein change: p.Gln146Lys; replaces glutamine 146 with lysine.
Molecular consequence: missense variant. On other transcripts: non-coding transcript variant (1).
Genome position (GRCh38, 1-based): chr3:128,895,399, C>A. VCF-style: chr3-128895399-C-A. GRCh37 (hg19) VCF-style: chr3-128614242-C-A.
Other names: short protein forms Q146K.
Identifiers: ClinVar variation 1507784 (VCV001507784.5), dbSNP rs1330993506, ClinGen allele CA354433250.

ClinVar aggregate classification (germline): Uncertain significance (1 of 4 stars; one submission).

Allele frequency attached by ClinVar (database versions not stated): gnomAD exomes below 0.00001; TOPMed below 0.00001.
gnomAD v4.1: 2 of 1,609,864 alleles (0.00012%); highest among the groups gnomAD compares: Admixed American, 0.0017%; no homozygotes.

Submission:

Labcorp Genetics (formerly Invitae), Labcorp
Classification: Uncertain significance. Last evaluated: 2021-09-17. Review status: criteria provided, single submitter. Criteria: Invitae Variant Classification Sherloc (09022015). Collection method: clinical testing. Allele origin: germline.
Comment: This sequence change replaces glutamine with lysine at codon 146 of the ACAD9 protein (p.Gln146Lys). The glutamine residue is highly conserved and there is a small physicochemical difference between glutamine and lysine. This variant is not present in population databases (ExAC no frequency). This variant has not been reported in the literature in individuals affected with ACAD9-related conditions. Advanced modeling of protein sequence and biophysical properties (such as structural, functional, and spatial information, amino acid conservation, physicochemical variation, residue mobility, and thermodynamic stability) performed at Invitae indicates that this missense variant is expected to disrupt ACAD9 protein function. In summary, the available evidence is currently insufficient to determine the role of this variant in disease. Therefore, it has been classified as a Variant of Uncertain Significance.